The following is an entry in ClinVar:

ClinVar aggregate classification (germline): Uncertain significance (1 of 4 stars; one submission).

Conditions:
Hereditary nonpolyposis colorectal neoplasms. Identifiers: MedGen C0009405, MeSH D003123.

Submission:

Labcorp Genetics (formerly Invitae), Labcorp
Classification: Uncertain significance for Hereditary nonpolyposis colorectal neoplasms. Last evaluated: 2023-02-10. Review status: criteria provided, single submitter. Criteria: Invitae Variant Classification Sherloc (09022015). Collection method: clinical testing. Allele origin: germline.
Comment: In summary, the available evidence is currently insufficient to determine the role of this variant in disease. Therefore, it has been classified as a Variant of Uncertain Significance. Algorithms developed to predict the effect of missense changes on protein structure and function are either unavailable or do not agree on the potential impact of this missense change (SIFT: "Not Available"; PolyPhen-2: "Benign"; Align-GVGD: "Not Available"). This variant has not been reported in the literature in individuals affected with PMS2-related conditions. This sequence change replaces cysteine, which is neutral and slightly polar, with leucine, which is neutral and non-polar, at codon 591 of the PMS2 protein (p.Cys591Leu). Information on the frequency of this variant in the gnomAD database is not available, as this variant may be reported differently in the database.

NM_000535.7(PMS2):c.1772_1773delinsTG (p.Cys591Leu)

Gene: PMS2 (PMS1 homolog 2, mismatch repair system component; minus strand). Cytogenetic location: 7p22.1.
Variant type: Indel.
Coding change: c.1772_1773delinsTG on transcript NM_000535.7 (MANE Select); coding-DNA positions 1772 to 1773, GT replaced by TG.
Protein change: p.Cys591Leu; replaces cysteine 591 with leucine.
Molecular consequence: missense variant. On other transcripts: non-coding transcript variant (1), intron variant (1).
Genome position (GRCh38, 1-based): chr7:5,986,992-5,986,993, AC replaced by CA on the plus strand (GT replaced by TG on the coding strand, the reverse complement: PMS2 is on the minus strand). VCF-style: chr7-5986992-AC-CA. GRCh37 (hg19) VCF-style: chr7-6026623-AC-CA.
Other names: c.1298_1299delinsTG, p.Cys433Leu (NM_001406902.1, NM_001406901.1); c.1454_1455delinsTG, p.Cys485Leu (NM_001406903.1, NM_001406883.1, NM_001322007.2 and 2 more transcripts); c.1259_1260delinsTG, p.Cys420Leu (NM_001406904.1, NM_001406905.1); c.1211_1212delinsTG, p.Cys404Leu (NM_001406906.1, NM_001406907.1, NM_001322010.2); c.1367_1368delinsTG, p.Cys456Leu (NM_001406908.1, NM_001406910.1, NM_001322009.2 and 16 more transcripts); c.1199_1200delinsTG, p.Cys400Leu (NM_001406909.1, NM_001322013.2); c.1001_1002delinsTG, p.Cys334Leu (NM_001406911.1); c.804-4002_804-4001delinsTG (NM_001406912.1); and 14 more; short protein forms C280L, C334L, C404L, C479L, C485L, C488L, C653L, C469L.
Identifiers: ClinVar variation 2776797 (VCV002776797.3), dbSNP rs2535735689, ClinGen allele CA2739266247.